The following is an entry in ClinVar:

NM_000093.5(COL5A1):c.4698+135C>T

Genes: COL5A1 (collagen type V alpha 1 chain; plus strand), LOC101448202 (uncharacterized LOC101448202; minus strand). Cytogenetic location: 9q34.3.
Variant type: single nucleotide variant.
Coding change: c.4698+135C>T on transcript NM_000093.5 (MANE Select); 135 bases into the intron after coding-DNA position 4698, C replaced by T.
Molecular consequence: intron variant.
Genome position (GRCh38, 1-based): chr9:134,823,604, C>T. VCF-style: chr9-134823604-C-T. GRCh37 (hg19) VCF-style: chr9-137715450-C-T.
Other names: c.4698+135C>T (NM_001278074.1).
Identifiers: ClinVar variation 674275 (VCV000674275.1), dbSNP rs3128601, ClinGen allele CA12975203.
Genomic context (GRCh38, chr9:134,823,604, plus strand): 5'-GTGTGTGTGACCCCTCCTGAGACTCATGAAGCCCATGTGGCATGCCCGGGCCTTGTCCCT[C>T]GCACGCAGCCGGGGAAATGAGCCACACAGGTCTATCACAGGAAGCTTACAGGCCAATTGG-3'

ClinVar aggregate classification (germline): Benign (1 of 4 stars; one submission).

Allele frequency attached by ClinVar (database versions not stated): 1000 Genomes Project 30x 0.25078; 1000 Genomes Project 0.25379; TOPMed 0.28364; gnomAD 0.28726 and 0.28957.
gnomAD v4.1: 293,835 of 882,600 alleles (33%); highest among the groups gnomAD compares: South Asian, 37%; 51,542 homozygotes.

Submission:

GeneDx
Classification: Benign. Last evaluated: 2018-06-14. Review status: criteria provided, single submitter. Criteria: GeneDx Variant Classification (06012015). Collection method: clinical testing. Allele origin: germline. Affected: yes.
Comment: This variant is considered likely benign or benign based on one or more of the following criteria: it is a conservative change, it occurs at a poorly conserved position in the protein, it is predicted to be benign by multiple in silico algorithms, and/or has population frequency not consistent with disease.